The following is an entry in ClinVar:

NM_001754.5(RUNX1):c.1256T>A (p.Val419Glu)

Gene: RUNX1 (RUNX family transcription factor 1; minus strand). Cytogenetic location: 21q22.12.
Variant type: single nucleotide variant.
Coding change: c.1256T>A on transcript NM_001754.5 (MANE Select); coding-DNA position 1256, T replaced by A.
Protein change: p.Val419Glu; replaces valine 419 with glutamic acid.
Molecular consequence: missense variant.
Genome position (GRCh38, 1-based): chr21:34,792,322, A>T on the plus strand (T>A on the coding strand, the complement: RUNX1 is on the minus strand). VCF-style: chr21-34792322-A-T. GRCh37 (hg19) VCF-style: chr21-36164619-A-T.
Other names: NM_001754.5(RUNX1):c.1256T>A; p.Val419Glu; c.1175T>A, p.Val392Glu (NM_001001890.3); short protein forms V392E, V419E.
Identifiers: ClinVar variation 3948875 (VCV003948875.2).

ClinVar aggregate classification (germline): Uncertain significance. Review status: reviewed by expert panel (3 of 4 stars). 2 submissions from 2 submitters: Uncertain significance (1). 1 of the submissions does not count toward it. Last evaluated 2026-05-27.

Conditions:
Inborn genetic diseases. Identifiers: MedGen C0950123, MeSH D030342.
Hereditary thrombocytopenia and hematologic cancer predisposition syndrome. Identifiers: Orphanet 71290, MedGen CN281654, MONDO:0011071.

Submissions (2):

ClinGen Myeloid Malignancy Variant Curation Expert Panel
Classification: Uncertain significance for Hereditary thrombocytopenia and hematologic cancer predisposition syndrome. Last evaluated: 2026-05-27. Review status: reviewed by expert panel. Criteria: ClinGen MyeloMalig ACMG Specifications V3.1. Collection method: curation. Allele origin: germline. Inheritance: Autosomal dominant inheritance.
Comment: NM_001754.5(RUNX1):c.1256T>A (p.Val419Glu) is a missense variant which is completely absent from all population databases with at least 20x coverage for RUNX1 (PM2_Supporting) and has a REVEL score < 0.50 (0.29)(BP4). In summary, the clinical significance of this variant is uncertain. ACMG/AMP criteria applied, as specified by the Myeloid Malignancy Variant Curation Expert Panel for RUNX1: PM2_Supporting, BP4.

Ambry Genetics
Classification: Uncertain significance for Inborn genetic diseases. Last evaluated: 2025-05-05. Review status: criteria provided, single submitter. Criteria: Ambry Variant Classification Scheme 2023. Collection method: clinical testing. Allele origin: germline. Not counted in ClinVar's aggregate classification.
Comment: The p.V419E variant (also known as c.1256T>A), located in coding exon 8 of the RUNX1 gene, results from a T to A substitution at nucleotide position 1256. The valine at codon 419 is replaced by glutamic acid, an amino acid with dissimilar properties. This amino acid position is conserved. In addition, this alteration is predicted to be tolerated by in silico analysis. Based on the available evidence, the clinical significance of this variant remains unclear.